The following is an entry in ClinVar:

ClinVar aggregate classification (germline): Uncertain significance. Review status: criteria provided, multiple submitters, no conflicts (2 of 4 stars). 2 submissions from 2 submitters: Uncertain significance (2). Last evaluated 2025-05-23.

Conditions:
Hereditary cancer-predisposing syndrome. Also called: Tumor predisposition; Neoplastic Syndromes, Hereditary; Hereditary neoplastic syndrome; Hereditary Cancer Syndrome. Identifiers: Orphanet 140162, MedGen C0027672, MeSH D009386, MONDO:0015356.

Submissions (2):

Ambry Genetics
Classification: Uncertain significance for Hereditary cancer-predisposing syndrome. Last evaluated: 2025-05-23. Review status: criteria provided, single submitter. Criteria: Ambry Variant Classification Scheme 2023. Collection method: clinical testing. Allele origin: germline.
Comment: The p.P1031S variant (also known as c.3091C>T), located in coding exon 14 of the MET gene, results from a C to T substitution at nucleotide position 3091. The proline at codon 1031 is replaced by serine, an amino acid with similar properties. This amino acid position is conserved. In addition, the in silico prediction for this alteration is inconclusive. Based on the available evidence, the clinical significance of this variant remains unclear.

GeneDx
Classification: Uncertain significance. Last evaluated: 2024-02-20. Review status: criteria provided, single submitter. Criteria: GeneDx Variant Classification Process June 2021. Collection method: clinical testing. Allele origin: germline. Affected: yes.
Comment: Not observed at significant frequency in large population cohorts (gnomAD); In silico analysis supports that this missense variant has a deleterious effect on protein structure/function; Has not been previously published as pathogenic or benign to our knowledge

NM_000245.4(MET):c.3037C>T (p.Pro1013Ser)

Gene: MET (MET proto-oncogene, receptor tyrosine kinase; plus strand). Cytogenetic location: 7q31.2.
Variant type: single nucleotide variant.
Coding change: c.3037C>T on transcript NM_000245.4 (MANE Select); coding-DNA position 3037, C replaced by T.
Protein change: p.Pro1013Ser; replaces proline 1013 with serine.
Molecular consequence: missense variant.
Genome position (GRCh38, 1-based): chr7:116,774,889, C>T. VCF-style: chr7-116774889-C-T. GRCh37 (hg19) VCF-style: chr7-116414943-C-T.
Other names: c.3091C>T, p.Pro1031Ser (NM_001127500.3); c.1747C>T, p.Pro583Ser (NM_001324402.2); short protein forms P1013S, P1031S, P583S.
Identifiers: ClinVar variation 3369459 (VCV003369459.2).